The following is an entry in ClinVar:

ClinVar aggregate classification (germline): Conflicting classifications of pathogenicity. Review status: criteria provided, conflicting classifications (1 of 4 stars). 5 submissions from 5 submitters: Uncertain significance (4); Likely benign (1). Last evaluated 2025-06-02.

Conditions:
Hereditary cancer-predisposing syndrome. Also called: Neoplastic Syndromes, Hereditary; Tumor predisposition; Hereditary neoplastic syndrome; Hereditary Cancer Syndrome. Identifiers: Orphanet 140162, MedGen C0027672, MeSH D009386, MONDO:0015356.
Hereditary breast ovarian cancer syndrome. Also called: Hereditary breast and ovarian cancer syndrome; Hereditary breast and ovarian cancer; Hereditary breast and ovarian cancer syndrome (HBOC); Breast and ovarian cancer; Hereditary breast and/or ovarian cancer syndrome; BRCA1- and BRCA2-Associated Hereditary Breast and Ovarian Cancer. Identifiers: Orphanet 145, MedGen C0677776, MeSH D061325, MONDO:0003582. Disease mechanism: loss of function.

Submissions (5):

GeneDx
Classification: Uncertain significance. Last evaluated: 2025-06-02. Review status: criteria provided, single submitter. Criteria: GeneDx Variant Classification Process June 2021. Collection method: clinical testing. Allele origin: germline. Affected: yes.
Comment: Not observed at significant frequency in large population cohorts (gnomAD); In silico analysis supports that this missense variant has a deleterious effect on protein structure/function; Has not been previously published as pathogenic or benign to our knowledge; Also known as 3866A>G

Ambry Genetics
Classification: Uncertain significance for Hereditary cancer-predisposing syndrome. Last evaluated: 2024-05-17. Review status: criteria provided, single submitter. Criteria: Ambry Variant Classification Scheme 2023. Collection method: clinical testing. Allele origin: germline.
Comment: The p.E1213G variant (also known as c.3638A>G), located in coding exon 10 of the BRCA2 gene, results from an A to G substitution at nucleotide position 3638. The glutamic acid at codon 1213 is replaced by glycine, an amino acid with similar properties. This amino acid position is conserved. In addition, the in silico prediction for this alteration is inconclusive. Based on the available evidence, the clinical significance of this variant remains unclear.

Color Diagnostics, LLC DBA Color Health
Classification: Uncertain significance for Hereditary cancer-predisposing syndrome. Last evaluated: 2023-12-05. Review status: criteria provided, single submitter. Criteria: ACMG Guidelines, 2015. Collection method: clinical testing. Allele origin: germline.
Comment: This missense variant replaces glutamic acid with glycine at codon 1213 of the BRCA2 protein. Computational prediction is inconclusive regarding the impact of this variant on protein structure and function (internally defined REVEL score threshold 0.5 < inconclusive < 0.7, PMID: 27666373). To our knowledge, functional studies have not been reported for this variant. This variant has not been reported in individuals affected with BRCA2-related disorders in the literature. This variant has not been identified in the general population by the Genome Aggregation Database (gnomAD). The available evidence is insufficient to determine the role of this variant in disease conclusively. Therefore, this variant is classified as a Variant of Uncertain Significance.

Labcorp Genetics (formerly Invitae), Labcorp
Classification: Uncertain significance for Hereditary breast ovarian cancer syndrome. Last evaluated: 2023-07-17. Review status: criteria provided, single submitter. Criteria: Invitae Variant Classification Sherloc (09022015). Collection method: clinical testing. Allele origin: germline.
Comment: ClinVar contains an entry for this variant (Variation ID: 628849). In summary, the available evidence is currently insufficient to determine the role of this variant in disease. Therefore, it has been classified as a Variant of Uncertain Significance. Advanced modeling of protein sequence and biophysical properties (such as structural, functional, and spatial information, amino acid conservation, physicochemical variation, residue mobility, and thermodynamic stability) performed at Invitae indicates that this missense variant is not expected to disrupt BRCA2 protein function. This variant has not been reported in the literature in individuals affected with BRCA2-related conditions. This variant is not present in population databases (gnomAD no frequency). This sequence change replaces glutamic acid, which is acidic and polar, with glycine, which is neutral and non-polar, at codon 1213 of the BRCA2 protein (p.Glu1213Gly).

University of Washington Department of Laboratory Medicine, University of Washington
Classification: Likely benign for Hereditary cancer-predisposing syndrome. Last evaluated: 2023-03-23. Review status: criteria provided, single submitter. Criteria: Dines et al. (Genet Med. 2020). Collection method: curation. Allele origin: germline.
Comment: Missense variant in a coldspot region where missense variants are very unlikely to be pathogenic (PMID:31911673).

BRCA2 exon 11 coldspot. Reclassification based on statistical prior probability.

NM_000059.4(BRCA2):c.3638A>G (p.Glu1213Gly)

Gene: BRCA2 (BRCA2 DNA repair associated; plus strand). Cytogenetic location: 13q13.1.
Variant type: single nucleotide variant.
Coding change: c.3638A>G on transcript NM_000059.4 (MANE Select); coding-DNA position 3638, A replaced by G.
Protein change: p.Glu1213Gly; replaces glutamic acid 1213 with glycine.
Molecular consequence: missense variant.
Genome position (GRCh38, 1-based): chr13:32,337,993, A>G. VCF-style: chr13-32337993-A-G. GRCh37 (hg19) VCF-style: chr13-32912130-A-G.
Other names: short protein forms E1213G.
Identifiers: ClinVar variation 628849 (VCV000628849.14), dbSNP rs1566228880, ClinGen allele CA387777927.